The following is an entry in ClinVar:

NM_001006658.3(CR2):c.2738C>T (p.Pro913Leu)

Gene: CR2 (complement C3d receptor 2; plus strand). Cytogenetic location: 1q32.2.
Variant type: single nucleotide variant.
Coding change: c.2738C>T on transcript NM_001006658.3 (MANE Select); coding-DNA position 2738, C replaced by T.
Protein change: p.Pro913Leu; replaces proline 913 with leucine.
Molecular consequence: missense variant.
Genome position (GRCh38, 1-based): chr1:207,476,255, C>T. VCF-style: chr1-207476255-C-T. GRCh37 (hg19) VCF-style: chr1-207649600-C-T.
Other names: c.2561C>T, p.Pro854Leu (NM_001877.5); short protein forms P913L, P854L.
Identifiers: ClinVar variation 540308 (VCV000540308.4), dbSNP rs772503117, ClinGen allele CA1369054.

ClinVar aggregate classification (germline): Uncertain significance (1 of 4 stars; one submission).

Conditions:
Immunodeficiency, common variable, 7. Identifiers: Orphanet 1572, Orphanet 696894, MedGen C3542922, MONDO:0013862, OMIM 614699.

Allele frequency attached by ClinVar (database versions not stated): ExAC 0.00010; gnomAD 0.00008 and 0.00010; TOPMed 0.00015.
gnomAD v4.1: 54 of 1,613,648 alleles (0.0033%); highest among the groups gnomAD compares: Admixed American, 0.025%; no homozygotes.

Submission:

Labcorp Genetics (formerly Invitae), Labcorp
Classification: Uncertain significance for Immunodeficiency, common variable, 7. Last evaluated: 2023-10-17. Review status: criteria provided, single submitter. Criteria: Invitae Variant Classification Sherloc (09022015). Collection method: clinical testing. Allele origin: germline.
Comment: This sequence change replaces proline, which is neutral and non-polar, with leucine, which is neutral and non-polar, at codon 913 of the CR2 protein (p.Pro913Leu). This variant is present in population databases (rs772503117, gnomAD 0.02%). This variant has not been reported in the literature in individuals affected with CR2-related conditions. ClinVar contains an entry for this variant (Variation ID: 540308). An algorithm developed to predict the effect of missense changes on protein structure and function (PolyPhen-2) suggests that this variant is likely to be disruptive. In summary, the available evidence is currently insufficient to determine the role of this variant in disease. Therefore, it has been classified as a Variant of Uncertain Significance.